The following is an entry in ClinVar:

ClinVar aggregate classification (germline): Uncertain significance. Review status: criteria provided, multiple submitters, no conflicts (2 of 4 stars). 3 submissions from 3 submitters: Uncertain significance (3). Last evaluated 2025-12-15.

Conditions:
Spondylometaphyseal dysplasia - Sutcliffe type. Also called: Spondylometaphyseal dysplasia, 'corner fracture' type; Spondylometaphyseal Dysplasia, Corner Fracture Type; Sutcliffe type of spondylometaphyseal dysplasia; Sutcliffe SMD. Identifiers: Orphanet 93315, MedGen C0432221, MONDO:0008479, OMIM 184255.
Glomerulopathy with fibronectin deposits 2 (GFND2). Identifiers: Orphanet 84090, MedGen C1866075, MONDO:0011165, OMIM 601894.
Inborn genetic diseases. Identifiers: MedGen C0950123, MeSH D030342.

Allele frequency attached by ClinVar (database versions not stated): ExAC 0.00002; gnomAD exomes 0.00002; 1000 Genomes Project 30x 0.00016; 1000 Genomes Project 0.00020.

Submissions (3):

Labcorp Genetics (formerly Invitae), Labcorp
Classification: Uncertain significance. Last evaluated: 2025-12-15. Review status: criteria provided, single submitter. Criteria: Invitae Variant Classification Sherloc (09022015). Collection method: clinical testing. Allele origin: germline.
Comment: This sequence change replaces glycine, which is neutral and non-polar, with arginine, which is basic and polar, at codon 198 of the FN1 protein (p.Gly198Arg). This variant is present in population databases (rs561607931, gnomAD 0.006%). This variant has not been reported in the literature in individuals affected with FN1-related conditions. ClinVar contains an entry for this variant (Variation ID: 1511386). An algorithm developed to predict the effect of missense changes on protein structure and function (PolyPhen-2) suggests that this variant is likely to be disruptive. In summary, the available evidence is currently insufficient to determine the role of this variant in disease. Therefore, it has been classified as a Variant of Uncertain Significance.

Fulgent Genetics
Classification: Uncertain significance for Spondylometaphyseal dysplasia - Sutcliffe type; Glomerulopathy with fibronectin deposits 2. Last evaluated: 2024-06-19. Review status: criteria provided, single submitter. Criteria: ACMG Guidelines, 2015. Collection method: clinical testing. Allele origin: germline.

Ambry Genetics
Classification: Uncertain significance for Inborn genetic diseases. Last evaluated: 2021-11-12. Review status: criteria provided, single submitter. Criteria: Ambry Variant Classification Scheme 2023. Collection method: clinical testing. Allele origin: germline.

NM_212482.4(FN1):c.592G>A (p.Gly198Arg)

Gene: FN1 (fibronectin 1; minus strand). Cytogenetic location: 2q35.
Variant type: single nucleotide variant.
Coding change: c.592G>A on transcript NM_212482.4 (MANE Select); coding-DNA position 592, G replaced by A.
Protein change: p.Gly198Arg; replaces glycine 198 with arginine.
Molecular consequence: missense variant.
Genome position (GRCh38, 1-based): chr2:215,430,808, C>T on the plus strand (G>A on the coding strand, the complement: FN1 is on the minus strand). VCF-style: chr2-215430808-C-T. GRCh37 (hg19) VCF-style: chr2-216295531-C-T.
Other names: c.592G>A (NM_212482.1); c.592G>A, p.Gly198Arg (NM_001306129.2, NM_001306130.2, NM_001306131.2 and 14 more transcripts); short protein forms G198R.
Identifiers: ClinVar variation 1511386 (VCV001511386.9), dbSNP rs561607931, ClinGen allele CA2095508.